The following is an entry in ClinVar:

NM_002226.5(JAG2):c.2863C>G (p.Pro955Ala)

Gene: JAG2 (jagged canonical Notch ligand 2; minus strand). Cytogenetic location: 14q32.33.
Variant type: single nucleotide variant.
Coding change: c.2863C>G on transcript NM_002226.5 (MANE Select); coding-DNA position 2863, C replaced by G.
Protein change: p.Pro955Ala; replaces proline 955 with alanine.
Molecular consequence: missense variant.
Genome position (GRCh38, 1-based): chr14:105,145,820, G>C on the plus strand (C>G on the coding strand, the complement: JAG2 is on the minus strand). VCF-style: chr14-105145820-G-C. GRCh37 (hg19) VCF-style: chr14-105612157-G-C.
Other names: c.2749C>G, p.Pro917Ala (NM_145159.3); short protein forms P917A, P955A.
Identifiers: ClinVar variation 5020688 (VCV005020688.1).
Genomic context (GRCh38, chr14:105,145,820, plus strand): 5'-AGGTGAGGCGGGCACAGTTATTGTCCAGGTGGCCGGAGCGTGGCAGGCAGGGGGTGCTCG[G>C]TGGCTCTTCTGCGCCGCACTCCCCCCAGGCCTCACAGGGTGGTCGCAGACACTGGCCTGG-3'
Protein context (NP_002217.3, residues 945-965): AWGECGAEEP[Pro955Ala]STPCLPRSGH

ClinVar aggregate classification (germline): Uncertain significance (1 of 4 stars; one submission).

gnomAD v4.1: 7 of 1,566,384 alleles (0.00045%); highest among the groups gnomAD compares: African/African-American, 0.0068%; no homozygotes.

Submission:

Dasa
Classification: Uncertain significance. Last evaluated: 2026-03-21. Review status: criteria provided, single submitter. Criteria: DASA Assertion Criteria. Collection method: clinical testing. Allele origin: germline.
Comment: NM_002226.5(JAG2):c.2863C>G (p.Pro955Ala) is a missense variant that results in the substitution of proline with alanine. This variant is rare in population databases. The currently available literature and clinical evidence are not sufficient to establish a definitive association between this variant and the reported condition. Therefore, this variant is classified as a variant of uncertain significance.